The following is an entry in ClinVar:

ClinVar aggregate classification (germline): Uncertain significance. Review status: criteria provided, multiple submitters, no conflicts (2 of 4 stars). 2 submissions from 2 submitters: Uncertain significance (2). Last evaluated 2025-09-22.

Submissions (2):

Labcorp Genetics (formerly Invitae), Labcorp
Classification: Uncertain significance. Last evaluated: 2025-09-22. Review status: criteria provided, single submitter. Criteria: Invitae Variant Classification Sherloc (09022015). Collection method: clinical testing. Allele origin: germline.
Comment: This sequence change creates a premature translational stop signal (p.Ser1323Alafs*47) in the SETD5 gene. While this is not anticipated to result in nonsense mediated decay, it is expected to disrupt the last 120 amino acid(s) of the SETD5 protein. This variant is not present in population databases (gnomAD no frequency). This variant has not been reported in the literature in individuals affected with SETD5-related conditions. ClinVar contains an entry for this variant (Variation ID: 3378153). Experimental studies and prediction algorithms are not available or were not evaluated, and the functional significance of this variant is currently unknown. In summary, the available evidence is currently insufficient to determine the role of this variant in disease. Therefore, it has been classified as a Variant of Uncertain Significance.

GeneDx
Classification: Uncertain significance. Last evaluated: 2025-09-10. Review status: criteria provided, single submitter. Criteria: GeneDx Variant Classification Process June 2021. Collection method: clinical testing. Allele origin: germline. Affected: yes.
Comment: Frameshift variant predicted to result in abnormal protein length as the last 120 amino acids are replaced with 46 different amino acids; Not observed at significant frequency in large population cohorts (gnomAD); Has not been previously published as pathogenic or benign to our knowledge

NM_001080517.3(SETD5):c.3967del (p.Ser1323fs)

Gene: SETD5 (SET domain containing 5; plus strand). Cytogenetic location: 3p25.3.
Variant type: Deletion.
Coding change: c.3967del on transcript NM_001080517.3 (MANE Select); coding-DNA position 3967, one base deleted (A; older notation c.3967delA).
Protein change: p.Ser1323fs; shifts the reading frame from serine 1323.
Molecular consequence: frameshift variant.
Genome position (GRCh38, 1-based): chr3:9,475,729, A deleted. VCF-style (leftmost placement, unchanged base first): chr3-9475728-CA-C. GRCh37 (hg19) VCF-style: chr3-9517412-CA-C.
Other names: c.3673del, p.Ser1225fs (NM_001292043.2, NM_001349451.2); short protein forms S1225fs, S1323fs.
Identifiers: ClinVar variation 3378153 (VCV003378153.3).